The following is an entry in ClinVar:

NM_001111.5(ADAR):c.1760A>C (p.Tyr587Ser)

Gene: ADAR (adenosine deaminase RNA specific; minus strand). Cytogenetic location: 1q21.3.
Variant type: single nucleotide variant.
Coding change: c.1760A>C on transcript NM_001111.5 (MANE Select); coding-DNA position 1760, A replaced by C.
Protein change: p.Tyr587Ser; replaces tyrosine 587 with serine.
Molecular consequence: missense variant.
Genome position (GRCh38, 1-based): chr1:154,598,427, T>G on the plus strand (A>C on the coding strand, the complement: ADAR is on the minus strand). VCF-style: chr1-154598427-T-G. GRCh37 (hg19) VCF-style: chr1-154570903-T-G.
Other names: c.875A>C, p.Tyr292Ser (NM_001193495.2, NM_001365046.1, NM_001365047.1 and 3 more transcripts); c.1787A>C, p.Tyr596Ser (NM_001365045.1); c.1760A>C, p.Tyr587Ser (NM_015840.4, NM_015841.4); short protein forms Y292S, Y587S, Y596S.
Identifiers: ClinVar variation 2924618 (VCV002924618.3), dbSNP rs17843865, ClinGen allele CA342639248.

ClinVar aggregate classification (germline): Uncertain significance (1 of 4 stars; one submission).

Conditions:
Symmetrical dyschromatosis of extremities (DSH). Also called: RETICULATE ACROPIGMENTATION OF DOHI; SYMMETRIC DYSCHROMATOSIS OF THE EXTREMITIES; DYSCHROMATOSIS SYMMETRICA HEREDITARIA 1; Dyschromatosis symmetrica hereditaria. Identifiers: Orphanet 41, MedGen C0406775, MONDO:0007483, OMIM 127400.
Aicardi-Goutieres syndrome 6 (AGS6). Identifiers: Orphanet 51, MedGen C3539013, MONDO:0014007, OMIM 615010.

gnomAD v4.1: 1 of 1,614,186 alleles (0.000062%); no homozygotes.

Submission:

Labcorp Genetics (formerly Invitae), Labcorp
Classification: Uncertain significance for Aicardi-Goutieres syndrome 6; Symmetrical dyschromatosis of extremities. Last evaluated: 2023-04-14. Review status: criteria provided, single submitter. Criteria: Invitae Variant Classification Sherloc (09022015). Collection method: clinical testing. Allele origin: germline.
Comment: In summary, the available evidence is currently insufficient to determine the role of this variant in disease. Therefore, it has been classified as a Variant of Uncertain Significance. Advanced modeling of protein sequence and biophysical properties (such as structural, functional, and spatial information, amino acid conservation, physicochemical variation, residue mobility, and thermodynamic stability) performed at Invitae indicates that this missense variant is not expected to disrupt ADAR protein function. This variant has not been reported in the literature in individuals affected with ADAR-related conditions. This variant is not present in population databases (gnomAD no frequency). This sequence change replaces tyrosine, which is neutral and polar, with serine, which is neutral and polar, at codon 587 of the ADAR protein (p.Tyr587Ser).